The following is an entry in ClinVar:

ClinVar aggregate classification (germline): Uncertain significance (1 of 4 stars; one submission).

Allele frequency attached by ClinVar (database versions not stated): gnomAD 0.00001; TOPMed 0.00002; ESP Exome Variant Server 0.00008.
gnomAD v4.1: 2 of 1,612,704 alleles (0.00012%); highest among the groups gnomAD compares: African/African-American, 0.0013%; no homozygotes.

Submission:

Labcorp Genetics (formerly Invitae), Labcorp
Classification: Uncertain significance. Last evaluated: 2023-12-25. Review status: criteria provided, single submitter. Criteria: Invitae Variant Classification Sherloc (09022015). Collection method: clinical testing. Allele origin: germline.
Comment: This sequence change replaces methionine, which is neutral and non-polar, with isoleucine, which is neutral and non-polar, at codon 220 of the CD81 protein (p.Met220Ile). This variant is present in population databases (rs371516232, gnomAD 0.0009%). This variant has not been reported in the literature in individuals affected with CD81-related conditions. An algorithm developed to predict the effect of missense changes on protein structure and function (PolyPhen-2) suggests that this variant is likely to be disruptive. In summary, the available evidence is currently insufficient to determine the role of this variant in disease. Therefore, it has been classified as a Variant of Uncertain Significance.

NM_004356.4(CD81):c.660G>A (p.Met220Ile)

Gene: CD81 (CD81 molecule; plus strand). Cytogenetic location: 11p15.5.
Variant type: single nucleotide variant.
Coding change: c.660G>A on transcript NM_004356.4 (MANE Select); coding-DNA position 660, G replaced by A.
Protein change: p.Met220Ile; replaces methionine 220 with isoleucine.
Molecular consequence: missense variant.
Genome position (GRCh38, 1-based): chr11:2,396,815, G>A. VCF-style: chr11-2396815-G-A. GRCh37 (hg19) VCF-style: chr11-2418045-G-A.
Other names: c.447G>A, p.Met149Ile (NM_001297649.2, NM_001425129.1, NM_001425130.1 and 3 more transcripts); c.783G>A, p.Met261Ile (NM_001425135.1); c.657G>A, p.Met219Ile (NM_001425137.1); c.444G>A, p.Met148Ile (NM_001425138.1); short protein forms M148I, M220I, M149I, M219I, M261I.
Identifiers: ClinVar variation 2982292 (VCV002982292.3), dbSNP rs371516232, ClinGen allele CA216294780.